The following is an entry in ClinVar:

ClinVar aggregate classification (germline): Pathogenic (1 of 4 stars; one submission).

Submission:

Labcorp Genetics (formerly Invitae), Labcorp
Classification: Pathogenic. Last evaluated: 2018-06-25. Review status: criteria provided, single submitter. Criteria: Invitae Variant Classification Sherloc (09022015). Collection method: clinical testing. Allele origin: germline.
Comment: For these reasons, this variant has been classified as Pathogenic. Loss-of-function variants in TFAP2A are known to be pathogenic (PMID: 8622766, 20150232, 21204207, 21539471, 21728810). Experimental studies have shown that this deletion could lead to eye and craniofacial defects in a model organism (PMID: 19685247). A similar deletion of the TFAP2A gene has been reported in a family affected with branchio-oculo-facial syndrome¬†(PMID: 19685247). A gross deletion of the genomic region encompassing the full coding sequence of the TFAP2A gene has been identified. The boundaries of this event are unknown as the deletion extends beyond the assayed region for this gene and therefore may encompass additional genes.

Literature cited by the submitters: PubMed 8622766; PubMed 20150232; PubMed 21204207; PubMed 21539471; PubMed 21728810; PubMed 19685247.

NC_000006.11:g.(?_10393732)_(10439975_?)del

Gene: TFAP2A (transcription factor AP-2 alpha; minus strand). Cytogenetic location: 6p24.3.
Variant type: Deletion.
Identifiers: ClinVar variation 1074927 (VCV001074927.7).